The following is an entry in ClinVar:

ClinVar aggregate classification (germline): Conflicting classifications of pathogenicity. Review status: criteria provided, conflicting classifications (1 of 4 stars). 8 submissions from 8 submitters: Uncertain significance (2); Benign (1); Likely benign (4). 1 of the submissions does not count toward it. Last evaluated 2026-02-01.

Conditions:
Thrombocytopenia 2 (THC2). Also called: ANKRD26-Related Thrombocytopenia. Identifiers: Orphanet 268322, MedGen C1861185, MONDO:0008555, OMIM 188000.
ANKRD26-related disorder. Also called: ANKRD26-related condition.

Allele frequency attached by ClinVar (database versions not stated): gnomAD 0.00027 and 0.00033; TOPMed 0.00046; ESP Exome Variant Server 0.00050; 1000 Genomes Project 0.00080; 1000 Genomes Project 30x 0.00109.
gnomAD v4.1: 372 of 1,614,080 alleles (0.023%); highest among the groups gnomAD compares: Middle Eastern, 0.099%; 1 homozygote.

Submissions (8):

Labcorp Genetics (formerly Invitae), Labcorp
Classification: Likely benign. Last evaluated: 2026-02-01. Review status: criteria provided, single submitter. Criteria: Invitae Variant Classification Sherloc (09022015). Collection method: clinical testing. Allele origin: germline.

ARUP Laboratories, Molecular Genetics and Genomics, ARUP Laboratories
Classification: Likely benign for Thrombocytopenia 2. Last evaluated: 2024-10-10. Review status: criteria provided, single submitter. Criteria: ARUP Molecular Germline Variant Investigation Process 2024. Collection method: clinical testing. Allele origin: germline.

Blueprint Genetics
Classification: Likely benign. Last evaluated: 2024-09-19. Review status: criteria provided, single submitter. Criteria: ACMG Guidelines, 2015. Collection method: clinical testing. Allele origin: germline.

Mayo Clinic Laboratories, Mayo Clinic
Classification: Likely benign. Last evaluated: 2024-08-08. Review status: criteria provided, single submitter. Criteria: ACMG Guidelines, 2015. Collection method: clinical testing. Allele origin: germline. Observed: 2 variant alleles.

GeneDx
Classification: Uncertain significance. Last evaluated: 2023-02-22. Review status: criteria provided, single submitter. Criteria: GeneDx Variant Classification Process June 2021. Collection method: clinical testing. Allele origin: germline. Affected: yes.
Comment: In silico analysis supports that this missense variant has a deleterious effect on protein structure/function; Has not been previously published as pathogenic or benign to our knowledge; This variant is associated with the following publications: (PMID: 27460824, Kerstjens-Frederikse[Book])

Center for Genomics, Ann and Robert H. Lurie Children's Hospital of Chicago
Classification: Uncertain significance for Thrombocytopenia 2. Last evaluated: 2022-03-18. Review status: criteria provided, single submitter. Criteria: ACMG Guidelines, 2015. Collection method: clinical testing. Allele origin: germline.
Comment: This variant has not been reported in the literature but is present in 0.1% (21/15268) of South Asian alleles in the Genome Aggregation Database. This variant is present in ClinVar (Variation ID:877275). Evolutionary conservation and computational predictive tools suggest that this variant may not impact the protein. In summary, data on this variant is insufficient for disease classification. Therefore, the clinical significance of this variant is uncertain.

Illumina Laboratory Services, Illumina
Classification: Benign for Thrombocytopenia 2. Last evaluated: 2018-01-13. Review status: criteria provided, single submitter. Criteria: ICSL Variant Classification Criteria 13 December 2019. Collection method: clinical testing. Allele origin: germline.
Comment: This variant was observed in the ICSL laboratory as part of a predisposition screen in an ostensibly healthy population. It had not been previously curated by ICSL or reported in the Human Gene Mutation Database (HGMD: prior to June 1st, 2018), and was therefore a candidate for classification through an automated scoring system. Utilizing variant allele frequency, disease prevalence and penetrance estimates, and inheritance mode, an automated score was calculated to assess if this variant is too frequent to cause the disease. Based on the score and internal cut-off values, a variant classified as benign is not then subjected to further curation. The score for this variant resulted in a classification of benign for this disease.

PreventionGenetics, part of Exact Sciences
Classification: Likely benign for ANKRD26-related condition. Last evaluated: 2022-09-13. Review status: no assertion criteria provided. Collection method: clinical testing. Allele origin: germline. Not counted in ClinVar's aggregate classification.
Comment: This variant is classified as likely benign based on ACMG/AMP sequence variant interpretation guidelines (Richards et al. 2015 PMID: 25741868, with internal and published modifications).

NM_014915.3(ANKRD26):c.1970A>T (p.Asp657Val)

Gene: ANKRD26 (ankyrin repeat domain 26; minus strand). Cytogenetic location: 10p12.1.
Variant type: single nucleotide variant.
Coding change: c.1970A>T on transcript NM_014915.3 (MANE Select); coding-DNA position 1970, A replaced by T.
Protein change: p.Asp657Val; replaces aspartic acid 657 with valine.
Molecular consequence: missense variant.
Genome position (GRCh38, 1-based): chr10:27,046,368, T>A on the plus strand (A>T on the coding strand, the complement: ANKRD26 is on the minus strand). VCF-style: chr10-27046368-T-A. GRCh37 (hg19) VCF-style: chr10-27335297-T-A.
Other names: p.Asp657Val; c.1967A>T, p.Asp656Val (NM_001256053.2); short protein forms D656V, D657V.
Identifiers: ClinVar variation 877275 (VCV000877275.15), dbSNP rs193178384, ClinGen allele CA5448364.